The following is an entry in ClinVar:

NM_002907.4(RECQL):c.1220G>T (p.Arg407Leu)

Gene: RECQL (RecQ like helicase; minus strand). Cytogenetic location: 12p12.1.
Variant type: single nucleotide variant.
Coding change: c.1220G>T on transcript NM_002907.4 (MANE Select); coding-DNA position 1220, G replaced by T.
Protein change: p.Arg407Leu; replaces arginine 407 with leucine.
Molecular consequence: missense variant.
Genome position (GRCh38, 1-based): chr12:21,474,976, C>A on the plus strand (G>T on the coding strand, the complement: RECQL is on the minus strand). VCF-style: chr12-21474976-C-A. GRCh37 (hg19) VCF-style: chr12-21627910-C-A.
Other names: c.1220G>T, p.Arg407Leu (NM_032941.3); short protein forms R407L.
Identifiers: ClinVar variation 1753003 (VCV001753003.2), dbSNP rs1176731657, ClinGen allele CA384119007.

ClinVar aggregate classification (germline): Uncertain significance (1 of 4 stars; one submission).

gnomAD v4.1: 1 of 1,611,442 alleles (0.000062%); highest among the groups gnomAD compares: Non-Finnish European, 0.000085%; no homozygotes.

Submission:

Ambry Genetics
Classification: Uncertain significance. Last evaluated: 2022-03-16. Review status: criteria provided, single submitter. Criteria: Ambry Variant Classification Scheme 2023. Collection method: clinical testing. Allele origin: germline.
Comment: The p.R407L variant (also known as c.1220G>T), located in coding exon 10 of the RECQL gene, results from a G to T substitution at nucleotide position 1220. The arginine at codon 407 is replaced by leucine, an amino acid with dissimilar properties. This amino acid position is conserved. In addition, this alteration is predicted to be deleterious by in silico analysis. Since supporting evidence is limited at this time, the clinical significance of this alteration remains unclear.